The following is an entry in ClinVar:

NM_144772.3(NAXE):c.776G>A (p.Gly259Glu)

Gene: NAXE (NAD(P)HX epimerase; plus strand). Cytogenetic location: 1q22.
Variant type: single nucleotide variant.
Coding change: c.776G>A on transcript NM_144772.3 (MANE Select); coding-DNA position 776, G replaced by A.
Protein change: p.Gly259Glu; replaces glycine 259 with glutamic acid.
Molecular consequence: missense variant.
Genome position (GRCh38, 1-based): chr1:156,593,993, G>A. VCF-style: chr1-156593993-G-A. GRCh37 (hg19) VCF-style: chr1-156563785-G-A.
Other names: short protein forms G259E.
Identifiers: ClinVar variation 1307786 (VCV001307786.2), dbSNP rs2102492057, ClinGen allele CA342877050.

ClinVar aggregate classification (germline): Uncertain significance (1 of 4 stars; one submission).

Submission:

GeneDx
Classification: Uncertain significance. Last evaluated: 2019-02-12. Review status: criteria provided, single submitter. Criteria: GeneDx Variant Classification Process June 2021. Collection method: clinical testing. Allele origin: germline. Affected: yes.
Comment: Not observed in large population cohorts (Lek et al., 2016; McVean et al., 2012; Exome Variant Server); In silico analysis, which includes protein predictors and evolutionary conservation, supports a deleterious effect; Has not been previously published as pathogenic or benign to our knowledge